The following is an entry in ClinVar:

ClinVar aggregate classification (germline): Pathogenic (1 of 4 stars; one submission).

Conditions:
Werner syndrome (WRN). Identifiers: Orphanet 902, MedGen C0043119, MONDO:0010196, OMIM 277700.

Submission:

Labcorp Genetics (formerly Invitae), Labcorp
Classification: Pathogenic for Werner syndrome. Last evaluated: 2024-12-20. Review status: criteria provided, single submitter. Criteria: Invitae Variant Classification Sherloc (09022015). Collection method: clinical testing. Allele origin: germline.
Comment: This sequence change creates a premature translational stop signal (p.Ile1183Aspfs*14) in the WRN gene. It is expected to result in an absent or disrupted protein product. Loss-of-function variants in WRN are known to be pathogenic (PMID: 16673358). This variant is not present in population databases (gnomAD no frequency). This variant has not been reported in the literature in individuals affected with WRN-related conditions. For these reasons, this variant has been classified as Pathogenic.

Literature cited by the submitters: PubMed 16673358.

NM_000553.6(WRN):c.3545dup (p.Ile1183fs)

Gene: WRN (WRN RecQ like helicase; plus strand). Cytogenetic location: 8p12.
Variant type: Duplication.
Coding change: c.3545dup on transcript NM_000553.6 (MANE Select); coding-DNA position 3545, one base duplicated (A; older notation c.3545dupA).
Protein change: p.Ile1183fs; shifts the reading frame from isoleucine 1183.
Molecular consequence: frameshift variant.
Genome position (GRCh38, 1-based): chr8:31,147,449, A duplicated; the last of 2 consecutive A bases (chr8:31,147,448-31,147,449); duplicating either gives the same sequence. VCF-style (leftmost placement, unchanged base first): chr8-31147447-C-CA. GRCh37 (hg19) VCF-style: chr8-31004963-C-CA.
Other names: short protein forms I1183fs.
Identifiers: ClinVar variation 3704094 (VCV003704094.2).